The following is an entry in ClinVar:

NM_004369.4(COL6A3):c.7468G>A (p.Ala2490Thr)

Gene: COL6A3 (collagen type VI alpha 3 chain; minus strand). Cytogenetic location: 2q37.3.
Variant type: single nucleotide variant.
Coding change: c.7468G>A on transcript NM_004369.4 (MANE Select); coding-DNA position 7468, G replaced by A.
Protein change: p.Ala2490Thr; replaces alanine 2490 with threonine.
Molecular consequence: missense variant.
Genome position (GRCh38, 1-based): chr2:237,344,550, C>T on the plus strand (G>A on the coding strand, the complement: COL6A3 is on the minus strand). VCF-style: chr2-237344550-C-T. GRCh37 (hg19) VCF-style: chr2-238253193-C-T.
Other names: c.5647G>A, p.Ala1883Thr (NM_057166.5); c.6850G>A, p.Ala2284Thr (NM_057167.4); short protein forms A1883T, A2490T, A2284T.
Identifiers: ClinVar variation 3692253 (VCV003692253.2).

ClinVar aggregate classification (germline): Uncertain significance (1 of 4 stars; one submission).

Conditions:
Bethlem myopathy 1A. Also called: MYOPATHY, BENIGN CONGENITAL, WITH CONTRACTURES; Bethlem myopathy 1; Bethlem Muscular Dystrophy. Identifiers: Orphanet 610, MedGen CN029274, MONDO:0024530, OMIM 158810.

Submission:

Labcorp Genetics (formerly Invitae), Labcorp
Classification: Uncertain significance for Bethlem myopathy 1A. Last evaluated: 2024-10-30. Review status: criteria provided, single submitter. Criteria: Invitae Variant Classification Sherloc (09022015). Collection method: clinical testing. Allele origin: germline.
Comment: This sequence change replaces alanine, which is neutral and non-polar, with threonine, which is neutral and polar, at codon 2490 of the COL6A3 protein (p.Ala2490Thr). This variant is not present in population databases (gnomAD no frequency). This variant has not been reported in the literature in individuals affected with COL6A3-related conditions. Invitae Evidence Modeling of protein sequence and biophysical properties (such as structural, functional, and spatial information, amino acid conservation, physicochemical variation, residue mobility, and thermodynamic stability) has been performed for this missense variant. However, the output from this modeling did not meet the statistical confidence thresholds required to predict the impact of this variant on COL6A3 protein function. In summary, the available evidence is currently insufficient to determine the role of this variant in disease. Therefore, it has been classified as a Variant of Uncertain Significance.